The following is an entry in ClinVar:

NM_025114.4(CEP290):c.5611_5614del (p.Gln1871fs)

Gene: CEP290 (centrosomal protein 290; minus strand). Cytogenetic location: 12q21.32.
Variant type: Deletion.
Coding change: c.5611_5614del on transcript NM_025114.4 (MANE Select); coding-DNA positions 5611 to 5614, 4 bases deleted (CAAA; older notation c.5611_5614delCAAA).
Protein change: p.Gln1871fs; shifts the reading frame from glutamine 1871.
Molecular consequence: frameshift variant.
Genome position (GRCh38, 1-based): chr12:88,077,317-88,077,320, TTTG deleted on the plus strand (CAAA on the coding strand, the reverse complement: CEP290 is on the minus strand); deleting any 4 consecutive bases within chr12:88,077,317-88,077,323 gives the same sequence; the c. name uses the placement nearest the transcript's 3' end. VCF-style (leftmost placement, unchanged base first): chr12-88077316-CTTTG-C. GRCh37 (hg19) VCF-style: chr12-88471093-CTTTG-C.
Other names: c.5611_5614delCAAA (NM_025114.3); short protein forms Q1871fs.
Identifiers: ClinVar variation 166831 (VCV000166831.21), dbSNP rs727503853, ClinGen allele CA233670.
Genomic context (GRCh38, chr12:88,077,316, plus strand): 5'-ACCTTTCCCTCTAATTGGTTCTCTAGTTTTTTAACTTTCCTTTGGAGTTCTTCAATTAGA[CTTTG>C]TTTATTATCTGTCAGGGGTTTGCCCTAAAAAATAAAATGTAACTTTATATTTTTACAAAT-3'

ClinVar aggregate classification (germline): Pathogenic. Review status: criteria provided, multiple submitters, no conflicts (2 of 4 stars). 7 submissions from 7 submitters: Pathogenic (7). Last evaluated 2025-06-27.

Conditions:
Joubert syndrome 5 (JBTS5). Identifiers: Orphanet 2318, MedGen C1857780, MONDO:0012432, OMIM 610188.
Joubert syndrome. Also called: Familial aplasia of the vermis; JOUBERT-BOLTSHAUSER SYNDROME. Identifiers: Orphanet 475, MedGen C5979921, MONDO:0018772.
Nephronophthisis. Also called: Juvenile Nephronophthisis. Identifiers: Orphanet 655, MedGen C0687120, MONDO:0019005, HP:0000090.
Meckel-Gruber syndrome. Also called: Dysencephalia splachnocystica; DYSENCEPHALIA SPLANCHNOCYSTICA; GRUBER SYNDROME. Identifiers: Orphanet 564, MedGen C0265215, MONDO:0018921.
Meckel syndrome, type 4 (MKS4). Also called: MECKEL-GRUBER SYNDROME, TYPE 4. Identifiers: Orphanet 564, MedGen C1970161, MONDO:0012626, OMIM 611134.
Bardet-Biedl syndrome 14 (BBS14). Identifiers: Orphanet 110, MedGen C2673874, MONDO:0014442, OMIM 615991.
Senior-Loken syndrome 6 (SLSN6). Identifiers: Orphanet 3156, MedGen C1857779, MONDO:0012433, OMIM 610189.
Leber congenital amaurosis 10 (LCA10). Identifiers: Orphanet 65, MedGen C1857821, MONDO:0012723, OMIM 611755.
CEP290-related disorder. Also called: CEP290-related disorders; CEP290-related condition. Identifiers: MedGen CN239314.
Leber congenital amaurosis (LCA). Also called: Leber's amaurosis. Identifiers: Orphanet 65, MedGen C0339527, MeSH D057130, MONDO:0018998.

Submissions (7):

Labcorp Genetics (formerly Invitae), Labcorp
Classification: Pathogenic for Joubert syndrome; Meckel-Gruber syndrome; Nephronophthisis. Last evaluated: 2025-06-27. Review status: criteria provided, single submitter. Criteria: Invitae Variant Classification Sherloc (09022015). Collection method: clinical testing. Allele origin: germline.
Comment: This sequence change creates a premature translational stop signal (p.Gln1871Valfs*2) in the CEP290 gene. It is expected to result in an absent or disrupted protein product. Loss-of-function variants in CEP290 are known to be pathogenic (PMID: 16909394, 17345604, 20690115). This variant is present in population databases (rs727503853, gnomAD 0.001%). This premature translational stop signal has been observed in individuals with Joubert syndrome (PMID: 17564967, 28497568). ClinVar contains an entry for this variant (Variation ID: 166831). For these reasons, this variant has been classified as Pathogenic.

Natera, Inc.
Classification: Pathogenic for Leber congenital amaurosis. Last evaluated: 2024-11-21. Review status: criteria provided, single submitter. Criteria: Natera Variant Classification Schema (03/2026). Collection method: clinical testing. Allele origin: germline.
Comment: The c.5611_5614delCAAA variant in CEP290 is a frameshift variant predicted to shift the reading frame beginning at codon 1871 and leads to a stop codon 2 codons downstream. This variant is expected to result in nonsense mediated decay, truncation, or a dysfunctional protein product. This variant is rare in the general population with a frequency below the threshold expected for the associated phenotype(s). This variant has been observed in one or more individuals affected with the associated recessive disease, as either homozygous or compound heterozygous with a second variant (PMID: 17564967, 28125082). Additionally, this variant has been observed to segregate in affected family members (PMID: 17564967). Given the available evidence, this variant is classified as Pathogenic.

Blueprint Genetics
Classification: Pathogenic for CEP290-related disorders. Last evaluated: 2023-09-27. Review status: criteria provided, single submitter. Criteria: ACMG Guidelines, 2015. Collection method: clinical testing. Allele origin: germline. Affected: yes. Observed: 2 variant alleles.

Baylor Genetics
Classification: Pathogenic for Bardet-Biedl syndrome 14. Last evaluated: 2022-05-06. Review status: criteria provided, single submitter. Criteria: ACMG Guidelines, 2015. Collection method: clinical testing. Allele origin: unknown.

Fulgent Genetics
Classification: Pathogenic for Joubert syndrome 5; Senior-Loken syndrome 6; Meckel syndrome, type 4; Leber congenital amaurosis 10; Bardet-Biedl syndrome 14. Last evaluated: 2021-10-29. Review status: criteria provided, single submitter. Criteria: ACMG Guidelines, 2015. Collection method: clinical testing. Allele origin: unknown.

UW Hindbrain Malformation Research Program, University of Washington
Classification: Pathogenic for Joubert syndrome 5. Last evaluated: 2015-02-23. Review status: criteria provided, single submitter. Criteria: Bachmann-Gagescu et al. (J Med Genet. 2015). Collection method: research. Allele origin: unknown. Affected: yes.

Eurofins Ntd Llc (ga)
Classification: Pathogenic. Last evaluated: 2014-01-09. Review status: criteria provided, single submitter. Criteria: EGL Classification Definitions. Collection method: clinical testing. Allele origin: germline. Observed: 1 variant allele, 1 heterozygote.

Literature cited by the submitters: PubMed 16909394 (cited by Labcorp Genetics (formerly Invitae), Labcorp); PubMed 17345604 (cited by Labcorp Genetics (formerly Invitae), Labcorp); PubMed 20690115 (cited by Labcorp Genetics (formerly Invitae), Labcorp); PubMed 17564967 (cited by Labcorp Genetics (formerly Invitae), Labcorp and Natera, Inc.); PubMed 28497568 (cited by Labcorp Genetics (formerly Invitae), Labcorp); PubMed 28125082 (cited by Natera, Inc.).